The following is an entry in ClinVar:

NM_002160.4(TNC):c.6452G>A (p.Arg2151His)

Gene: TNC (tenascin C; minus strand). Cytogenetic location: 9q33.1.
Variant type: single nucleotide variant.
Coding change: c.6452G>A on transcript NM_002160.4 (MANE Select); coding-DNA position 6452, G replaced by A.
Protein change: p.Arg2151His; replaces arginine 2151 with histidine.
Molecular consequence: missense variant.
Genome position (GRCh38, 1-based): chr9:115,024,016, C>T on the plus strand (G>A on the coding strand, the complement: TNC is on the minus strand). VCF-style: chr9-115024016-C-T. GRCh37 (hg19) VCF-style: chr9-117786295-C-T.
Other names: c.5906G>A, p.Arg1969His (NM_001410991.1, NM_001439083.1, NM_001439084.1 and 2 more transcripts); c.7001G>A, p.Arg2334His (NM_001439065.1, NM_001439066.1, NM_001439067.1); c.6728G>A, p.Arg2243His (NM_001439068.1, NM_001439069.1, NM_001439070.1); c.6725G>A, p.Arg2242His (NM_001439071.1); c.6455G>A, p.Arg2152His (NM_001439072.1, NM_001439073.1); c.6452G>A, p.Arg2151His (NM_001439074.1, NM_001439075.1, NM_001439076.1); c.6179G>A, p.Arg2060His (NM_001439077.1, NM_001439078.1, NM_001439079.1 and 3 more transcripts); c.5633G>A, p.Arg1878His (NM_001439087.1, NM_001439088.1); and 4 more; short protein forms R1605H, R1696H, R2060H, R1514H, R2151H, R2334H, R1787H, R1878H.
Identifiers: ClinVar variation 4989195 (VCV004989195.1).
Genomic context (GRCh38, chr9:115,024,016, plus strand): 5'-CCTCACGGTCCACTCACCTGACTGTGGTTATTGTCCCCATATCTCCCCATCAGGTTGACA[C>T]GGTGACAGTTCCTGTACCAGAAAGCCCCTTTGTAGGACAGAGCACAGTTGGTGATGGCTG-3'
Protein context (NP_002151.2, residues 2141-2161): KGAFWYRNCH[Arg2151His]VNLMGRYGDN

ClinVar aggregate classification (germline): Likely benign (1 of 4 stars; one submission).

Conditions:
TNC-related disorder. Also called: TNC-related condition.

gnomAD v4.1: 157 of 1,614,100 alleles (0.0097%); highest among the groups gnomAD compares: Middle Eastern, 0.13%; no homozygotes.

Submission:

PreventionGenetics, part of Exact Sciences
Classification: Likely benign for TNC-related condition. Last evaluated: 2026-02-25. Review status: criteria provided, single submitter. Criteria: ACMG Guidelines, 2015. Collection method: clinical testing. Allele origin: germline.
Comment: This variant is classified as likely benign based on ACMG/AMP sequence variant interpretation guidelines (Richards et al. 2015 PMID: 25741868, with internal and published modifications).